The following is an entry in ClinVar:

ClinVar aggregate classification (germline): Benign/Likely benign. Review status: criteria provided, multiple submitters, no conflicts (2 of 4 stars). 4 submissions from 4 submitters: Benign (1); Likely benign (2). 1 of the submissions does not count toward it. Last evaluated 2026-06-01.

Conditions:
Inborn genetic diseases. Identifiers: MedGen C0950123, MeSH D030342.
NSDHL-related disorder. Also called: NSDHL-Related Disorders; NSDHL-related condition. Identifiers: MedGen CN381535.

Allele frequency attached by ClinVar (database versions not stated): gnomAD exomes 0.00001; ExAC 0.00008; ESP Exome Variant Server 0.00009; TOPMed 0.00010; gnomAD 0.00014; 1000 Genomes Project 0.00132; 1000 Genomes Project 30x 0.00146.
gnomAD v4.1: 22 of 1,203,627 alleles (0.0018%); highest among the groups gnomAD compares: African/African-American, 0.037%; no homozygotes.

Submissions (4):

CeGaT Center for Human Genetics Tuebingen
Classification: Likely benign. Last evaluated: 2026-06-01. Review status: criteria provided, single submitter. Criteria: CeGaT Center For Human Genetics Tuebingen Variant Classification Criteria Version 2. Collection method: clinical testing. Allele origin: germline. Affected: yes. Observed: 1 variant allele.
Comment: NSDHL: BP4, BS2

Ambry Genetics
Classification: Likely benign for Inborn genetic diseases. Last evaluated: 2025-08-05. Review status: criteria provided, single submitter. Criteria: Ambry Variant Classification Scheme 2023. Collection method: clinical testing. Allele origin: germline.

Labcorp Genetics (formerly Invitae), Labcorp
Classification: Benign. Last evaluated: 2024-05-19. Review status: criteria provided, single submitter. Criteria: Invitae Variant Classification Sherloc (09022015). Collection method: clinical testing. Allele origin: germline.

PreventionGenetics, part of Exact Sciences
Classification: Likely benign for NSDHL-related condition. Last evaluated: 2023-02-28. Review status: no assertion criteria provided. Collection method: clinical testing. Allele origin: germline. Not counted in ClinVar's aggregate classification.
Comment: This variant is classified as likely benign based on ACMG/AMP sequence variant interpretation guidelines (Richards et al. 2015 PMID: 25741868, with internal and published modifications).

NM_015922.3(NSDHL):c.83A>G (p.Asp28Gly)

Gene: NSDHL (NAD(P) dependent 3-beta-hydroxysteroid dehydrogenase NSDHL; plus strand). Cytogenetic location: Xq28.
Variant type: single nucleotide variant.
Coding change: c.83A>G on transcript NM_015922.3 (MANE Select); coding-DNA position 83, A replaced by G.
Protein change: p.Asp28Gly; replaces aspartic acid 28 with glycine.
Molecular consequence: missense variant.
Genome position (GRCh38, 1-based): chrX:152,846,407, A>G. VCF-style: chrX-152846407-A-G. GRCh37 (hg19) VCF-style: chrX-152014951-A-G.
Other names: c.83A>G, p.Asp28Gly (NM_001129765.2); c.83A>G (NM_015922.2); short protein forms D28G.
Identifiers: ClinVar variation 2075424 (VCV002075424.9), dbSNP rs144891548, ClinGen allele CA10544704.
Genomic context (GRCh38, chrX:152,846,407, plus strand): 5'-CAATGAGAGACCAAGTCGCACGGACTCATTTGACAGAGGACACTCCCAAAGTGAATGCTG[A>G]CATAGAAAAGGTTAACCAGAATCAGGTAAGGAGAAAGTTGACACGTACATACCAACAGGC-3'
Protein context (NP_057006.1, residues 18-38): LTEDTPKVNA[Asp28Gly]IEKVNQNQAK